The following is an entry in ClinVar:

ClinVar aggregate classification (germline): Pathogenic (1 of 4 stars; one submission).

Conditions:
Alagille syndrome due to a JAG1 point mutation. Also called: JAG1-Related Alagille Syndrome; HEPATIC DUCTULAR HYPOPLASIA, SYNDROMATIC; Alagille Syndrome 1. Identifiers: Orphanet 261619, Orphanet 52, MedGen C1956125, MONDO:0016862, OMIM 118450.

Submission:

Labcorp Genetics (formerly Invitae), Labcorp
Classification: Pathogenic for Alagille syndrome due to a JAG1 point mutation. Last evaluated: 2016-01-14. Review status: criteria provided, single submitter. Criteria: Invitae Variant Classification Sherloc (09022015). Collection method: clinical testing. Allele origin: germline.
Comment: This sequence change duplicates 1 nucleotide in exon 23 of the JAG1 mRNA (c.2895dupT), causing a frameshift at codon 966. This creates a premature translational stop signal (p.Asn966*) and is expected to result in an absent or disrupted protein product. While this particular variant has not been reported in the literature, truncating variants in JAG1 are known to be pathogenic (PMID: 11180599, 12497640). For these reasons, this variant has been classified as Pathogenic.

Literature cited by the submitters: PubMed 11180599; PubMed 12497640.

NM_000214.3(JAG1):c.2895dup (p.Asn966Ter)

Gene: JAG1 (jagged canonical Notch ligand 1; minus strand). Cytogenetic location: 20p12.2.
Variant type: Duplication.
Coding change: c.2895dup on transcript NM_000214.3 (MANE Select); coding-DNA position 2895, one base duplicated (T; older notation c.2895dupT).
Protein change: p.Asn966Ter; replaces asparagine 966 with a stop codon.
Molecular consequence: nonsense.
Genome position (GRCh38, 1-based): chr20:10,641,481, A duplicated on the plus strand (T on the coding strand, the reverse complement: JAG1 is on the minus strand); the first of 3 consecutive A bases (chr20:10,641,481-10,641,483); duplicating any one gives the same sequence. VCF-style (leftmost placement, unchanged base first): chr20-10641480-T-TA. GRCh37 (hg19) VCF-style: chr20-10622128-T-TA.
Other names: c.2895dup, p.Asn966Ter (LRG_1191t1); short protein forms N966*.
Identifiers: ClinVar variation 237220 (VCV000237220.6), dbSNP rs878853752, ClinGen allele CA10583870.